The following is an entry in ClinVar:

NM_018979.4(WNK1):c.493C>A (p.Pro165Thr)

Gene: WNK1 (WNK lysine deficient protein kinase 1; plus strand). Cytogenetic location: 12p13.33.
Variant type: single nucleotide variant.
Coding change: c.493C>A on transcript NM_018979.4 (MANE Select); coding-DNA position 493, C replaced by A.
Protein change: p.Pro165Thr; replaces proline 165 with threonine.
Molecular consequence: missense variant.
Genome position (GRCh38, 1-based): chr12:754,058, C>A. VCF-style: chr12-754058-C-A. GRCh37 (hg19) VCF-style: chr12-863224-C-A.
Other names: c.493C>A, p.Pro165Thr (NM_001184985.2, NM_014823.3, NM_213655.5); short protein forms P165T.
Identifiers: ClinVar variation 2074010 (VCV002074010.4), dbSNP rs770997482, ClinGen allele CA6381801.
Genomic context (GRCh38, chr12:754,058, plus strand): 5'-GAACAGGCCGTCGCGGGCCCTGCCCCCTCGACTGTCCCCAGCAGTACCAGCAAAGACCGC[C>A]CAGTGTCCCAGCCTAGCCTTGTGGGGAGCAAAGAGGAGCCGCCGCCGGCGAGAAGTGGCA-3'
Protein context (NP_061852.3, residues 155-175): TVPSSTSKDR[Pro165Thr]VSQPSLVGSK

ClinVar aggregate classification (germline): Uncertain significance (1 of 4 stars; one submission).

Conditions:
Neuropathy, hereditary sensory and autonomic, type 2A (HSAN2A). Also called: ACROOSTEOLYSIS, GIACCAI TYPE; ACROOSTEOLYSIS, NEUROGENIC; MORVAN DISEASE; NEUROPATHY, CONGENITAL SENSORY; NEUROPATHY, HEREDITARY SENSORY RADICULAR, AUTOSOMAL RECESSIVE; NEUROPATHY, HEREDITARY SENSORY, TYPE IIA. Identifiers: Orphanet 970, MedGen C2752089, MONDO:0024309, OMIM 201300.
Pseudohypoaldosteronism type 2C (PHA2C). Also called: Pseudohypoaldosteronism Type IIC. Identifiers: Orphanet 757, Orphanet 88940, MedGen C1840391, MONDO:0013778, OMIM 614492.

Allele frequency attached by ClinVar (database versions not stated): TOPMed 0.00001; ExAC 0.00002.
gnomAD v4.1: 3 of 1,602,172 alleles (0.00019%); highest among the groups gnomAD compares: Non-Finnish European, 0.00026%; no homozygotes.

Submission:

Labcorp Genetics (formerly Invitae), Labcorp
Classification: Uncertain significance for Neuropathy, hereditary sensory and autonomic, type 2A; Pseudohypoaldosteronism type 2C. Last evaluated: 2025-01-28. Review status: criteria provided, single submitter. Criteria: Invitae Variant Classification Sherloc (09022015). Collection method: clinical testing. Allele origin: germline.
Comment: This sequence change replaces proline, which is neutral and non-polar, with threonine, which is neutral and polar, at codon 165 of the WNK1 protein (p.Pro165Thr). This variant is present in population databases (rs770997482, gnomAD 0.004%). This variant has not been reported in the literature in individuals affected with WNK1-related conditions. ClinVar contains an entry for this variant (Variation ID: 2074010). Invitae Evidence Modeling of protein sequence and biophysical properties (such as structural, functional, and spatial information, amino acid conservation, physicochemical variation, residue mobility, and thermodynamic stability) indicates that this missense variant is not expected to disrupt WNK1 protein function with a negative predictive value of 95%. In summary, the available evidence is currently insufficient to determine the role of this variant in disease. Therefore, it has been classified as a Variant of Uncertain Significance.